The following is an entry in ClinVar:

NM_001384140.1(PCDH15):c.1190T>A (p.Met397Lys)

Gene: PCDH15 (protocadherin related 15; minus strand). Cytogenetic location: 10q21.1.
Variant type: single nucleotide variant.
Coding change: c.1190T>A on transcript NM_001384140.1 (MANE Select); coding-DNA position 1190, T replaced by A.
Protein change: p.Met397Lys; replaces methionine 397 with lysine.
Molecular consequence: missense variant.
Genome position (GRCh38, 1-based): chr10:54,195,798, A>T on the plus strand (T>A on the coding strand, the complement: PCDH15 is on the minus strand). VCF-style: chr10-54195798-A-T. GRCh37 (hg19) VCF-style: chr10-55955558-A-T.
Other names: c.1205T>A, p.Met402Lys (NM_001142763.2, NM_001142769.4, NM_001142771.2); c.1190T>A, p.Met397Lys (NM_001142764.2, NM_001142765.2, NM_001142766.2 and 7 more transcripts); c.1079T>A, p.Met360Lys (NM_001142767.2); c.1124T>A, p.Met375Lys (NM_001142768.2, NM_001142773.2, NM_001354404.2); short protein forms M360K, M375K, M397K, M402K.
Identifiers: ClinVar variation 1303249 (VCV001303249.2), dbSNP rs2049553609, ClinGen allele CA376519129.
Genomic context (GRCh38, chr10:54,195,798, plus strand): 5'-CTGTCCGAAATGGTTGCTCCCACTGGGGCAGATTCCAGGATATAGCCTTGATAACTGGGC[A>T]TTGTAAAATATGGACTTTGATTGTTTTCATCCAGTATTTCAATGTGTAGACCGGCAAAGG-3'
Protein context (NP_001371069.1, residues 387-407): DENNQSPYFT[Met397Lys]PSYQGYILES

ClinVar aggregate classification (germline): Uncertain significance (1 of 4 stars; one submission).

Allele frequency attached by ClinVar (database versions not stated): gnomAD exomes below 0.00001.
gnomAD v4.1: 1 of 1,614,024 alleles (0.000062%); no homozygotes.

Submission:

GeneDx
Classification: Uncertain significance. Last evaluated: 2019-05-15. Review status: criteria provided, single submitter. Criteria: GeneDx Variant Classification Process June 2021. Collection method: clinical testing. Allele origin: germline. Affected: yes.
Comment: Not observed in large population cohorts (Lek et al., 2016); In silico analysis, which includes protein predictors and evolutionary conservation, supports that this variant does not alter protein structure/function